The following is an entry in ClinVar:

ClinVar aggregate classification (germline): Conflicting classifications of pathogenicity. Review status: criteria provided, conflicting classifications (1 of 4 stars). 2 submissions from 2 submitters: Uncertain significance (1); Likely benign (1). Last evaluated 2024-11-09.

Conditions:
Hereditary cancer-predisposing syndrome. Also called: Hereditary Cancer Syndrome; Tumor predisposition; Hereditary neoplastic syndrome; Neoplastic Syndromes, Hereditary. Identifiers: Orphanet 140162, MedGen C0027672, MeSH D009386, MONDO:0015356.
Hereditary breast ovarian cancer syndrome. Also called: Breast and ovarian cancer; BRCA1- and BRCA2-Associated Hereditary Breast and Ovarian Cancer; Hereditary breast and ovarian cancer; Hereditary breast and/or ovarian cancer syndrome; Hereditary breast and ovarian cancer syndrome; Hereditary breast and ovarian cancer syndrome (HBOC). Identifiers: Orphanet 145, MedGen C0677776, MeSH D061325, MONDO:0003582. Disease mechanism: loss of function.

Submissions (2):

Ambry Genetics
Classification: Likely benign for Hereditary cancer-predisposing syndrome. Last evaluated: 2024-11-09. Review status: criteria provided, single submitter. Criteria: Ambry Variant Classification Scheme 2023. Collection method: clinical testing. Allele origin: germline.

Labcorp Genetics (formerly Invitae), Labcorp
Classification: Uncertain significance for Hereditary breast ovarian cancer syndrome. Last evaluated: 2023-01-09. Review status: criteria provided, single submitter. Criteria: Invitae Variant Classification Sherloc (09022015). Collection method: clinical testing. Allele origin: germline.
Comment: This variant has not been reported in the literature in individuals affected with BRCA2-related conditions. Advanced modeling of protein sequence and biophysical properties (such as structural, functional, and spatial information, amino acid conservation, physicochemical variation, residue mobility, and thermodynamic stability) performed at Invitae indicates that this missense variant is not expected to disrupt BRCA2 protein function. In summary, the available evidence is currently insufficient to determine the role of this variant in disease. Therefore, it has been classified as a Variant of Uncertain Significance. This variant is not present in population databases (gnomAD no frequency). This sequence change replaces glycine, which is neutral and non-polar, with aspartic acid, which is acidic and polar, at codon 1700 of the BRCA2 protein (p.Gly1700Asp).

NM_000059.4(BRCA2):c.5099G>A (p.Gly1700Asp)

Gene: BRCA2 (BRCA2 DNA repair associated; plus strand). Cytogenetic location: 13q13.1.
Variant type: single nucleotide variant.
Coding change: c.5099G>A on transcript NM_000059.4 (MANE Select); coding-DNA position 5099, G replaced by A.
Protein change: p.Gly1700Asp; replaces glycine 1700 with aspartic acid.
Molecular consequence: missense variant. On other transcripts: non-coding transcript variant (1), intron variant (2).
Genome position (GRCh38, 1-based): chr13:32,339,454, G>A. VCF-style: chr13-32339454-G-A. GRCh37 (hg19) VCF-style: chr13-32913591-G-A.
Other names: c.5099G>A, p.Gly1700Asp (NM_001406719.1, NM_001406720.1); c.1910-5104G>A (NM_001406721.1); c.425-5104G>A (NM_001406722.1); short protein forms G1700D.
Identifiers: ClinVar variation 2911153 (VCV002911153.4), dbSNP rs2072520161, ClinGen allele CA387784118.